The following is an entry in ClinVar:

ClinVar aggregate classification (germline): Likely benign (1 of 4 stars; one submission).

Allele frequency attached by ClinVar (database versions not stated): gnomAD exomes below 0.00001.

Submission:

Laboratory for Molecular Medicine, Mass General Brigham Personalized Medicine
Classification: Likely benign. Last evaluated: 2014-08-18. Review status: criteria provided, single submitter. Criteria: LMM Criteria. Collection method: clinical testing. Allele origin: germline. Observed: 1 variant allele.
Comment: Gln1123Gln in exon 21 of SOS1: This variant is not expected to have clinical sig nificance because it does not alter an amino acid residue and is not located wit hin the splice consensus sequence. However, splicing prediction tools suggest th is variant may create a novel splice site which could result in altered splicing , though this information is not predictive enough to determine pathogenicity. O f note, splice and other loss of function variants in SOS1 have not been reporte d in individuals with Noonan spectrum disorders.

NM_005633.4(SOS1):c.3369A>G (p.Gln1123=)

Gene: SOS1 (SOS Ras/Rac guanine nucleotide exchange factor 1; minus strand). Cytogenetic location: 2p22.1.
Variant type: single nucleotide variant.
Coding change: c.3369A>G on transcript NM_005633.4 (MANE Select); coding-DNA position 3369, A replaced by G.
Protein change: p.Gln1123=; no amino-acid change (glutamine 1123 retained).
Molecular consequence: synonymous variant. On other transcripts: intron variant (1).
Genome position (GRCh38, 1-based): chr2:38,989,292, T>C on the plus strand (A>G on the coding strand, the complement: SOS1 is on the minus strand). VCF-style: chr2-38989292-T-C. GRCh37 (hg19) VCF-style: chr2-39216433-T-C.
Other names: c.3348A>G, p.Gln1116= (NM_001382394.1); c.3347-1701A>G (NM_001382395.1).
Identifiers: ClinVar variation 165279 (VCV000165279.5), dbSNP rs727503435, ClinGen allele CA178017.